The following is an entry in ClinVar:

NM_014391.3(ANKRD1):c.207+1G>T

Gene: ANKRD1 (ankyrin repeat domain 1; minus strand). Cytogenetic location: 10q23.31.
Variant type: single nucleotide variant.
Coding change: c.207+1G>T on transcript NM_014391.3 (MANE Select); the canonical splice donor site of the intron after coding-DNA position 207, G replaced by T.
Molecular consequence: splice donor variant.
Genome position (GRCh38, 1-based): chr10:90,920,168, C>A on the plus strand (G>T on the coding strand, the complement: ANKRD1 is on the minus strand). VCF-style: chr10-90920168-C-A. GRCh37 (hg19) VCF-style: chr10-92679925-C-A.
Identifiers: ClinVar variation 1785373 (VCV001785373.4), dbSNP rs111855194, ClinGen allele CA377553225.

ClinVar aggregate classification (germline): Uncertain significance. Review status: criteria provided, multiple submitters, no conflicts (2 of 4 stars). 2 submissions from 2 submitters: Uncertain significance (2). Last evaluated 2026-08-13.

Conditions:
Cardiovascular phenotype. Identifiers: MedGen CN230736.
ANKRD1-related dilated cardiomyopathy. Identifiers: MedGen CN119551.

Allele frequency attached by ClinVar (database versions not stated): gnomAD exomes below 0.00001.
gnomAD v4.1: 4 of 1,613,490 alleles (0.00025%); highest among the groups gnomAD compares: Non-Finnish European, 0.00034%; no homozygotes.

Submissions (2):

Ambry Genetics
Classification: Uncertain significance for Cardiovascular phenotype. Last evaluated: 2026-08-13. Review status: criteria provided, single submitter. Criteria: Ambry Variant Classification Scheme 2023. Collection method: clinical testing. Allele origin: germline.
Comment: The c.207+1G>T intronic variant results from a G to T substitution one nucleotide after coding exon 2 of the ANKRD1 gene. This nucleotide position is highly conserved in available vertebrate species. In silico splice site analysis predicts that this alteration will weaken the native splice donor site and will result in the creation or strengthening of a novel splice donor site. Variants that disrupt the canonical splice site are expected to cause aberrant splicing, resulting in an abnormal protein or a transcript that is subject to nonsense-mediated mRNA decay. However, loss of function has not been established as a mechanism of disease. Based on the available evidence, the clinical significance of this variant remains unclear.

Labcorp Genetics (formerly Invitae), Labcorp
Classification: Uncertain significance for ANKRD1-related dilated cardiomyopathy. Last evaluated: 2025-03-05. Review status: criteria provided, single submitter. Criteria: Invitae Variant Classification Sherloc (09022015). Collection method: clinical testing. Allele origin: germline.
Comment: This sequence change affects a donor splice site in intron 2 of the ANKRD1 gene. It is expected to disrupt RNA splicing. Variants that disrupt the donor or acceptor splice site typically lead to a loss of protein function (PMID: 16199547), however the current clinical and genetic evidence is not sufficient to establish whether loss-of-function variants in ANKRD1 cause disease. This variant is not present in population databases (gnomAD no frequency). This variant has not been reported in the literature in individuals affected with ANKRD1-related conditions. ClinVar contains an entry for this variant (Variation ID: 1785373). Algorithms developed to predict the effect of sequence changes on RNA splicing suggest that this variant may disrupt the consensus splice site. In summary, the available evidence is currently insufficient to determine the role of this variant in disease. Therefore, it has been classified as a Variant of Uncertain Significance.

Literature cited by the submitters: PubMed 16199547 (cited by Labcorp Genetics (formerly Invitae), Labcorp).